The following is an entry in ClinVar:

NM_000161.3(GCH1):c.49del (p.Arg17fs)

Genes: GCH1 (GTP cyclohydrolase 1; minus strand), LOC130055692 (ATAC-STARR-seq lymphoblastoid silent region 5776; plus strand). Cytogenetic location: 14q22.2.
Variant type: Deletion.
Coding change: c.49del on transcript NM_000161.3 (MANE Select); coding-DNA position 49, one base deleted (A; older notation c.49delA).
Protein change: p.Arg17fs; shifts the reading frame from arginine 17.
Molecular consequence: frameshift variant.
Genome position (GRCh38, 1-based): chr14:54,902,615, T deleted on the plus strand (A on the coding strand, the reverse complement: GCH1 is on the minus strand). VCF-style (leftmost placement, unchanged base first): chr14-54902614-CT-C. GRCh37 (hg19) VCF-style: chr14-55369332-CT-C.
Other names: c.49del, p.Arg17fs (NM_001024070.2, NM_001024071.2, NM_001024024.2); short protein forms R17fs.
Identifiers: ClinVar variation 2135615 (VCV002135615.4), dbSNP rs2504541515, ClinGen allele CA2580088252.

ClinVar aggregate classification (germline): Pathogenic (1 of 4 stars; one submission).

Conditions:
Dystonia 5 (DRD). Also called: GTP Cyclohydrolase 1-Deficient Dopa-Responsive Dystonia; Dystonia, DOPA-responsive, with or without hyperphenylalaninemia; DYT-GCH1; DYSTONIA, PROGRESSIVE, WITH DIURNAL VARIATION; DYSTONIA-PARKINSONISM WITH DIURNAL FLUCTUATION. Identifiers: Orphanet 98808, MedGen C1851920, MONDO:0007495, OMIM 128230.
GTP cyclohydrolase I deficiency. Identifiers: MedGen C0268467, MONDO:0100184.

Submission:

Labcorp Genetics (formerly Invitae), Labcorp
Classification: Pathogenic for GTP cyclohydrolase I deficiency; Dystonia 5. Last evaluated: 2022-08-08. Review status: criteria provided, single submitter. Criteria: Invitae Variant Classification Sherloc (09022015). Collection method: clinical testing. Allele origin: germline.
Comment: For these reasons, this variant has been classified as Pathogenic. This variant has not been reported in the literature in individuals affected with GCH1-related conditions. This variant is not present in population databases (gnomAD no frequency). This sequence change creates a premature translational stop signal (p.Arg17Glyfs*50) in the GCH1 gene. It is expected to result in an absent or disrupted protein product. Loss-of-function variants in GCH1 are known to be pathogenic (PMID: 9667588, 19332422, 19491146, 25557619).

Literature cited by the submitters: PubMed 9667588; PubMed 19332422; PubMed 19491146; PubMed 25557619.